The following is an entry in ClinVar:

NM_001356.5(DDX3X):c.362G>T (p.Arg121Leu)

Gene: DDX3X (DEAD-box helicase 3 X-linked; plus strand). Cytogenetic location: Xp11.4.
Variant type: single nucleotide variant.
Coding change: c.362G>T on transcript NM_001356.5 (MANE Select); coding-DNA position 362, G replaced by T.
Protein change: p.Arg121Leu; replaces arginine 121 with leucine.
Molecular consequence: missense variant. On other transcripts: 5 prime UTR variant (1), non-coding transcript variant (1).
Genome position (GRCh38, 1-based): chrX:41,342,572, G>T. VCF-style: chrX-41342572-G-T. GRCh37 (hg19) VCF-style: chrX-41201825-G-T.
Other names: c.362G>T, p.Arg121Leu (NM_001193416.3); c.314G>T, p.Arg105Leu (NM_001193417.3); c.-197G>T (NM_001363819.1); c.362G>T (NM_001193416.1); short protein forms R121L, R105L.
Identifiers: ClinVar variation 375386 (VCV000375386.2), dbSNP rs1057519446, ClinGen allele CA16044242.

ClinVar aggregate classification (germline): Uncertain significance. Review status: criteria provided, single submitter (1 of 4 stars). 2 submissions from 2 submitters: Uncertain significance (1). 1 of the submissions does not count toward it. Last evaluated 2025-08-02.

Conditions:
Intellectual disability, X-linked 102 (MRXSSB). Also called: Intellectual developmental disorder, X-linked syndromic, Snijders Blok type. Identifiers: Orphanet 457260, MedGen C5393299, MONDO:0010497, OMIM 300958.

gnomAD v4.1: 3 of 1,211,944 alleles (0.00025%); highest among the groups gnomAD compares: Admixed American, 0.0022%; no homozygotes.

Submissions (2):

GeneDx
Classification: Uncertain significance. Last evaluated: 2025-08-02. Review status: criteria provided, single submitter. Criteria: GeneDx Variant Classification Process June 2021. Collection method: clinical testing. Allele origin: germline. Affected: yes.
Comment: In silico analysis supports that this missense variant has a deleterious effect on protein structure/function; This variant is associated with the following publications: (PMID: 28327206)

Lupski Lab, Baylor-Hopkins CMG, Baylor College of Medicine
Classification: Pathogenic for Intellectual disability, X-linked 102. Review status: no assertion criteria provided. Collection method: research. Allele origin: germline. Inheritance: X-linked inheritance. Affected: yes. Not counted in ClinVar's aggregate classification.